The following is an entry in ClinVar:

ClinVar aggregate classification (germline): Benign/Likely benign. Review status: criteria provided, multiple submitters, no conflicts (2 of 4 stars). 2 submissions from 2 submitters: Benign (1); Likely benign (1). Last evaluated 2026-07-23.

Conditions:
Hereditary cancer-predisposing syndrome. Also called: Hereditary neoplastic syndrome; Neoplastic Syndromes, Hereditary; Tumor predisposition; Hereditary Cancer Syndrome. Identifiers: Orphanet 140162, MedGen C0027672, MeSH D009386, MONDO:0015356.
Rhabdoid tumor predisposition syndrome 2 (RTPS2). Identifiers: Orphanet 231108, Orphanet 69077, MedGen C2750074, MONDO:0013224, OMIM 613325.

Submissions (2):

Myriad Genetics, Inc.
Classification: Benign for Rhabdoid tumor predisposition syndrome 2. Last evaluated: 2026-07-23. Review status: criteria provided, single submitter. Criteria: Myriad Autosomal Dominant, Autosomal Recessive and X-Linked Classification Criteria (2023). Collection method: clinical testing. Allele origin: unknown.
Comment: This variant is considered benign. This variant is a silent/synonymous amino acid change and it is not expected to impact splicing.

Ambry Genetics
Classification: Likely benign for Hereditary cancer-predisposing syndrome. Last evaluated: 2019-06-27. Review status: criteria provided, single submitter. Criteria: Ambry Variant Classification Scheme 2023. Collection method: clinical testing. Allele origin: germline.

NM_003072.5(SMARCA4):c.4827G>A (p.Leu1609=)

Gene: SMARCA4 (SWI/SNF related BAF chromatin remodeling complex subunit ATPase 4; plus strand). Cytogenetic location: 19p13.2.
Variant type: single nucleotide variant.
Coding change: c.4827G>A on transcript NM_003072.5 (MANE Select); coding-DNA position 4827, G replaced by A.
Protein change: p.Leu1609=; no amino-acid change (leucine 1609 retained).
Molecular consequence: synonymous variant. On other transcripts: non-coding transcript variant (1).
Genome position (GRCh38, 1-based): chr19:11,060,103, G>A. VCF-style: chr19-11060103-G-A. GRCh37 (hg19) VCF-style: chr19-11170779-G-A.
Other names: c.4827G>A, p.Leu1609= (NM_001128844.3); c.4737G>A, p.Leu1579= (NM_001128845.2); c.4734G>A, p.Leu1578= (NM_001128846.2); c.4728G>A, p.Leu1576= (NM_001128847.4, NM_001374457.1); c.4725G>A, p.Leu1575= (NM_001128848.2); c.4923G>A, p.Leu1641= (NM_001128849.3, NM_001387283.1); c.4824G>A, p.Leu1608= (NM_001411150.1).
Identifiers: ClinVar variation 1744144 (VCV001744144.3), dbSNP rs1555796260, ClinGen allele CA505495437.